The following is an entry in ClinVar:

NM_177438.3(DICER1):c.2873del (p.Ser958fs)

Gene: DICER1 (dicer 1, ribonuclease III; minus strand). Cytogenetic location: 14q32.13.
Variant type: Deletion.
Coding change: c.2873del on transcript NM_177438.3 (MANE Select); coding-DNA position 2873, one base deleted (G; older notation c.2873delG).
Protein change: p.Ser958fs; shifts the reading frame from serine 958.
Molecular consequence: frameshift variant. On other transcripts: non-coding transcript variant (6).
Genome position (GRCh38, 1-based): chr14:95,106,155, C deleted on the plus strand (G on the coding strand, the reverse complement: DICER1 is on the minus strand). VCF-style (leftmost placement, unchanged base first): chr14-95106154-AC-A. GRCh37 (hg19) VCF-style: chr14-95572491-AC-A.
Other names: c.2873del, p.Ser958fs (NM_001195573.1, NM_001271282.3, NM_001291628.2 and 12 more transcripts); c.2591del, p.Ser864fs (NM_001395686.1); c.2468del, p.Ser823fs (NM_001395687.1, NM_001395688.1, NM_001395689.1 and 2 more transcripts); c.2306del, p.Ser769fs (NM_001395691.1); c.1190del, p.Ser397fs (NM_001395697.1); short protein forms S397fs, S769fs, S823fs, S864fs, S958fs.
Identifiers: ClinVar variation 3393361 (VCV003393361.1).

ClinVar aggregate classification (germline): Likely pathogenic (1 of 4 stars; one submission).

Conditions:
DICER1-related tumor predisposition. Also called: DICER1-related pleuropulmonary blastoma cancer predisposition syndrome; DICER1 syndrome. Identifiers: Orphanet 284343, MedGen C3839822, MONDO:0100216.

Submission:

Hereditary Cancer Group, L’Institut d'Investigació Biomèdica de Bellvitge
Classification: Likely pathogenic for DICER1-related tumor predisposition. Last evaluated: 2024-12-19. Review status: criteria provided, single submitter. Criteria: Hatton et al. (Hum Mutat. 2023). Collection method: clinical testing. Allele origin: germline. Inheritance: Autosomal dominant inheritance. Affected: yes.
Comment: PVS1, PM2_supporting